The following is an entry in ClinVar:

NM_138694.4(PKHD1):c.9327C>G (p.His3109Gln)

Gene: PKHD1 (PKHD1 ciliary IPT domain containing fibrocystin/polyductin; minus strand). Cytogenetic location: 6p12.3.
Variant type: single nucleotide variant.
Coding change: c.9327C>G on transcript NM_138694.4 (MANE Select); coding-DNA position 9327, C replaced by G.
Protein change: p.His3109Gln; replaces histidine 3109 with glutamine.
Molecular consequence: missense variant.
Genome position (GRCh38, 1-based): chr6:51,748,289, G>C on the plus strand (C>G on the coding strand, the complement: PKHD1 is on the minus strand). VCF-style: chr6-51748289-G-C. GRCh37 (hg19) VCF-style: chr6-51613087-G-C.
Other names: c.9327C>G, p.His3109Gln (NM_170724.3); short protein forms H3109Q.
Identifiers: ClinVar variation 940357 (VCV000940357.9), dbSNP rs1160858819, ClinGen allele CA364421483.

ClinVar aggregate classification (germline): Uncertain significance. Review status: criteria provided, multiple submitters, no conflicts (2 of 4 stars). 3 submissions from 3 submitters: Uncertain significance (2). 1 of the submissions does not count toward it. Last evaluated 2021-09-01.

Conditions:
Autosomal recessive polycystic kidney disease (ARPKD). Also called: AR polycystic kidney disease. Identifiers: Orphanet 731, Orphanet 8378, MedGen C0085548, MeSH D017044, MONDO:0009889.

Allele frequency attached by ClinVar (database versions not stated): gnomAD exomes 0.00001.
gnomAD v4.1: 9 of 1,614,050 alleles (0.00056%); highest among the groups gnomAD compares: Middle Eastern, 0.016%; no homozygotes.

Submissions (3):

Labcorp Genetics (formerly Invitae), Labcorp
Classification: Uncertain significance for Autosomal recessive polycystic kidney disease. Last evaluated: 2021-09-01. Review status: criteria provided, single submitter. Criteria: Invitae Variant Classification Sherloc (09022015). Collection method: clinical testing. Allele origin: germline.
Comment: This sequence change replaces histidine with glutamine at codon 3109 of the PKHD1 protein (p.His3109Gln). The histidine residue is moderately conserved and there is a small physicochemical difference between histidine and glutamine. This variant is not present in population databases (ExAC no frequency). This variant has not been reported in the literature in individuals affected with PKHD1-related conditions. Algorithms developed to predict the effect of missense changes on protein structure and function output the following: SIFT: "Tolerated"; PolyPhen-2: "Benign"; Align-GVGD: "Class C0". The glutamine amino acid residue is found in multiple mammalian species, which suggests that this missense change does not adversely affect protein function. In summary, the available evidence is currently insufficient to determine the role of this variant in disease. Therefore, it has been classified as a Variant of Uncertain Significance.

Breakthrough Genomics
Classification: Uncertain significance. Review status: criteria provided, single submitter. Criteria: ACMG Guidelines, 2015. Collection method: not provided. Allele origin: germline. Inheritance: Autosomal recessive inheritance. Affected: yes.

Natera, Inc.
Classification: Uncertain significance for Autosomal recessive polycystic kidney disease. Last evaluated: 2020-03-09. Review status: no assertion criteria provided. Collection method: clinical testing. Allele origin: germline. Not counted in ClinVar's aggregate classification.